The following is an entry in ClinVar:

ClinVar aggregate classification (germline): Uncertain significance (1 of 4 stars; one submission).

gnomAD v4.1: 72 of 1,613,882 alleles (0.0045%); highest among the groups gnomAD compares: Middle Eastern, 0.033%; no homozygotes.

Submission:

Dasa
Classification: Uncertain significance. Last evaluated: 2025-09-02. Review status: criteria provided, single submitter. Criteria: DASA Assertion Criteria. Collection method: clinical testing. Allele origin: germline.
Comment: NM_020632.3(ATP6V0A4):c.2139+3A>G is a splice-region variant. This variant is rare in population databases. Computational prediction algorithms are consistent with a deleterious effect. The currently available literature and clinical evidence are not sufficient to establish a definitive association between this variant and the reported condition. Therefore, this variant is classified as a variant of uncertain significance.

NM_020632.3(ATP6V0A4):c.2139+3A>G

Gene: ATP6V0A4 (ATPase H+ transporting V0 subunit a4; minus strand). Cytogenetic location: 7q34.
Variant type: single nucleotide variant.
Coding change: c.2139+3A>G on transcript NM_020632.3 (MANE Select); 3 bases into the intron after coding-DNA position 2139, A replaced by G.
Molecular consequence: intron variant.
Genome position (GRCh38, 1-based): chr7:138,721,894, T>C on the plus strand (A>G on the coding strand, the complement: ATP6V0A4 is on the minus strand). VCF-style: chr7-138721894-T-C. GRCh37 (hg19) VCF-style: chr7-138406639-T-C.
Other names: c.2139+3A>G (NM_130840.3, NM_130841.3).
Identifiers: ClinVar variation 4885044 (VCV004885044.2).